The following is an entry in ClinVar:

NM_003737.4(DCHS1):c.9759C>G (p.Ser3253Arg)

Gene: DCHS1 (dachsous cadherin-related 1; minus strand). Cytogenetic location: 11p15.4.
Variant type: single nucleotide variant.
Coding change: c.9759C>G on transcript NM_003737.4 (MANE Select); coding-DNA position 9759, C replaced by G.
Protein change: p.Ser3253Arg; replaces serine 3253 with arginine.
Molecular consequence: missense variant.
Genome position (GRCh38, 1-based): chr11:6,621,917, G>C on the plus strand (C>G on the coding strand, the complement: DCHS1 is on the minus strand). VCF-style: chr11-6621917-G-C. GRCh37 (hg19) VCF-style: chr11-6643148-G-C.
Other names: short protein forms S3253R.
Identifiers: ClinVar variation 1466700 (VCV001466700.6), dbSNP rs758004006, ClinGen allele CA5859183.

ClinVar aggregate classification (germline): Uncertain significance (1 of 4 stars; one submission).

Allele frequency attached by ClinVar (database versions not stated): gnomAD 0.00001; gnomAD exomes 0.00002; ExAC 0.00004.
gnomAD v4.1: 20 of 1,613,242 alleles (0.0012%); highest among the groups gnomAD compares: Non-Finnish European, 0.0012%; no homozygotes.

Submission:

Labcorp Genetics (formerly Invitae), Labcorp
Classification: Uncertain significance. Last evaluated: 2022-07-19. Review status: criteria provided, single submitter. Criteria: Invitae Variant Classification Sherloc (09022015). Collection method: clinical testing. Allele origin: germline.
Comment: In summary, the available evidence is currently insufficient to determine the role of this variant in disease. Therefore, it has been classified as a Variant of Uncertain Significance. Algorithms developed to predict the effect of missense changes on protein structure and function are either unavailable or do not agree on the potential impact of this missense change (SIFT: "Deleterious"; PolyPhen-2: "Probably Damaging"; Align-GVGD: "Class C0"). ClinVar contains an entry for this variant (Variation ID: 1466700). This variant has not been reported in the literature in individuals affected with DCHS1-related conditions. This variant is present in population databases (rs758004006, gnomAD 0.005%). This sequence change replaces serine, which is neutral and polar, with arginine, which is basic and polar, at codon 3253 of the DCHS1 protein (p.Ser3253Arg).